The following is an entry in ClinVar:

NM_177438.3(DICER1):c.2040+1G>C

Gene: DICER1 (dicer 1, ribonuclease III; minus strand). Cytogenetic location: 14q32.13.
Variant type: single nucleotide variant.
Coding change: c.2040+1G>C on transcript NM_177438.3 (MANE Select); the canonical splice donor site of the intron after coding-DNA position 2040, G replaced by C.
Molecular consequence: splice donor variant.
Genome position (GRCh38, 1-based): chr14:95,113,091, C>G on the plus strand (G>C on the coding strand, the complement: DICER1 is on the minus strand). VCF-style: chr14-95113091-C-G. GRCh37 (hg19) VCF-style: chr14-95579428-C-G.
Other names: c.1635+1G>C (NM_001395689.1, NM_001395688.1, NM_001395696.1 and 3 more transcripts); c.1758+1G>C (NM_001395686.1); c.1473+1G>C (NM_001395691.1); c.2040+1G>C (NM_001395684.1, NM_001395683.1, NM_001395679.1 and 12 more transcripts); c.357+1G>C (NM_001395697.1).
Identifiers: ClinVar variation 932971 (VCV000932971.9), dbSNP rs886037683, ClinGen allele CA390883155.

ClinVar aggregate classification (germline): Pathogenic. Review status: criteria provided, multiple submitters, no conflicts (2 of 4 stars). 2 submissions from 2 submitters: Pathogenic (2). Last evaluated 2025-06-02.

Conditions:
DICER1-related tumor predisposition. Also called: DICER1-related pleuropulmonary blastoma cancer predisposition syndrome; DICER1 syndrome. Identifiers: Orphanet 284343, MedGen C3839822, MONDO:0100216.

Submissions (2):

Labcorp Genetics (formerly Invitae), Labcorp
Classification: Pathogenic for DICER1-related tumor predisposition. Last evaluated: 2025-06-02. Review status: criteria provided, single submitter. Criteria: Invitae Variant Classification Sherloc (09022015). Collection method: clinical testing. Allele origin: germline.
Comment: This sequence change affects a donor splice site in intron 12 of the DICER1 gene. It is expected to disrupt RNA splicing. Variants that disrupt the donor or acceptor splice site typically lead to a loss of protein function (PMID: 16199547), and loss-of-function variants in DICER1 are known to be pathogenic (PMID: 19556464, 21266384). This variant is not present in population databases (gnomAD no frequency). Disruption of this splice site has been observed in individuals with clinical features of DICER1-related pleuropulmonary blastoma familial tumor predisposition syndrome (PMID: 21266384, 25118636; internal data). ClinVar contains an entry for this variant (Variation ID: 932971). Algorithms developed to predict the effect of sequence changes on RNA splicing suggest that this variant may disrupt the consensus splice site. For these reasons, this variant has been classified as Pathogenic.

Foulkes Cancer Genetics LDI, Lady Davis Institute for Medical Research
Classification: Pathogenic for Pleuropulmonary blastoma. Last evaluated: 2019-07-01. Review status: criteria provided, single submitter. Criteria: ACMG Guidelines, 2015. Collection method: curation. Allele origin: germline. Affected: yes. Observed: 1 variant allele.
Comment: ACMG criteria met: PVS1, PM2, PM7, PP4

Literature cited by the submitters: PubMed 16199547 (cited by Labcorp Genetics (formerly Invitae), Labcorp); PubMed 19556464 (cited by Labcorp Genetics (formerly Invitae), Labcorp); PubMed 21266384 (cited by Labcorp Genetics (formerly Invitae), Labcorp and Foulkes Cancer Genetics LDI, Lady Davis Institute for Medical Research); PubMed 25118636 (cited by Labcorp Genetics (formerly Invitae), Labcorp).